The following is an entry in ClinVar:

ClinVar aggregate classification (germline): Uncertain significance (0 of 4 stars; one submission).

Conditions:
TCF12-related disorder. Also called: TCF12-related condition.

Allele frequency attached by ClinVar (database versions not stated): gnomAD exomes below 0.00001.
gnomAD v4.1: 1 of 1,614,156 alleles (0.000062%); highest among the groups gnomAD compares: South Asian, 0.0011%; no homozygotes.

Submission:

PreventionGenetics, part of Exact Sciences
Classification: Uncertain significance for TCF12-related condition. Last evaluated: 2024-09-18. Review status: no assertion criteria provided. Collection method: clinical testing. Allele origin: germline.
Comment: The TCF12 c.1758A>C variant is predicted to result in the amino acid substitution p.Glu586Asp. To our knowledge, this variant has not been reported in the literature or in a large population database, indicating this variant is rare. At this time, the clinical significance of this variant is uncertain due to the absence of conclusive functional and genetic evidence.

NM_207037.2(TCF12):c.1758A>C (p.Glu586Asp)

Gene: TCF12 (transcription factor 12; plus strand). Cytogenetic location: 15q21.3.
Variant type: single nucleotide variant.
Coding change: c.1758A>C on transcript NM_207037.2 (MANE Select); coding-DNA position 1758, A replaced by C.
Protein change: p.Glu586Asp; replaces glutamic acid 586 with aspartic acid.
Molecular consequence: missense variant.
Genome position (GRCh38, 1-based): chr15:57,273,042, A>C. VCF-style: chr15-57273042-A-C. GRCh37 (hg19) VCF-style: chr15-57565240-A-C.
Other names: c.1248A>C, p.Glu416Asp (NM_001306219.3); c.978A>C, p.Glu326Asp (NM_001306220.3); c.1758A>C, p.Glu586Asp (NM_001322151.2, NM_001322159.3, NM_001322162.2 and 1 more transcripts); c.1755A>C, p.Glu585Asp (NM_001322152.2, NM_001322161.2); c.1101A>C, p.Glu367Asp (NM_001322154.2); c.1584A>C, p.Glu528Asp (NM_001322156.2); c.1686A>C, p.Glu562Asp (NM_001322157.3, NM_001322165.2, NM_003205.4 and 1 more transcripts); c.1512A>C, p.Glu504Asp (NM_001322158.2); and 2 more; short protein forms E326D, E367D, E392D, E416D, E504D, E528D, E562D, E574D.
Identifiers: ClinVar variation 2636494 (VCV002636494.2), dbSNP rs2551501106, ClinGen allele CA392591644.
Genomic context (GRCh38, chr15:57,273,042, plus strand): 5'-TTACTTTATAGGAAACCTAATAGACCTTGTTGTTACTTTATTTTCTAGCAGTACTAATGA[A>C]GATGAGGATTTGAACCCTGAACAGAAGATAGAAAGGGAGAAGGAGAGGCGGATGGCTAAC-3'
Protein context (NP_996920.1, residues 576-596): SSRGRTSSTN[Glu586Asp]DEDLNPEQKI